The following is an entry in ClinVar:

NM_001184.4(ATR):c.7106C>T (p.Pro2369Leu)

Gene: ATR (ATR checkpoint kinase; minus strand). Cytogenetic location: 3q23.
Variant type: single nucleotide variant.
Coding change: c.7106C>T on transcript NM_001184.4 (MANE Select); coding-DNA position 7106, C replaced by T.
Protein change: p.Pro2369Leu; replaces proline 2369 with leucine.
Molecular consequence: missense variant.
Genome position (GRCh38, 1-based): chr3:142,462,026, G>A on the plus strand (C>T on the coding strand, the complement: ATR is on the minus strand). VCF-style: chr3-142462026-G-A. GRCh37 (hg19) VCF-style: chr3-142180868-G-A.
Other names: c.6914C>T, p.Pro2305Leu (NM_001354579.2); short protein forms P2305L, P2369L.
Identifiers: ClinVar variation 1757199 (VCV001757199.2), dbSNP rs2473048122, ClinGen allele CA354799682.

ClinVar aggregate classification (germline): Uncertain significance (1 of 4 stars; one submission).

Conditions:
Inborn genetic diseases. Identifiers: MedGen C0950123, MeSH D030342.

Submission:

Ambry Genetics
Classification: Uncertain significance for Inborn genetic diseases. Last evaluated: 2021-08-28. Review status: criteria provided, single submitter. Criteria: Ambry Variant Classification Scheme 2023. Collection method: clinical testing. Allele origin: germline.
Comment: The p.P2369L variant (also known as c.7106C>T), located in coding exon 42 of the ATR gene, results from a C to T substitution at nucleotide position 7106. The proline at codon 2369 is replaced by leucine, an amino acid with similar properties. This amino acid position is conserved. In addition, this alteration is predicted to be deleterious by in silico analysis. Since supporting evidence is limited at this time, the clinical significance of this alteration remains unclear.